The following is an entry in ClinVar:

ClinVar aggregate classification (germline): Pathogenic. Review status: criteria provided, multiple submitters, no conflicts (2 of 4 stars). 6 submissions from 6 submitters: Pathogenic (4). 2 of the submissions do not count toward it. Last evaluated 2024-08-28.

Conditions:
Dyskinesia with orofacial involvement, autosomal dominant (DSKOD). Also called: Dyskinesia, familial, with facial myokymia; Familial Dyskinesia with Facial Myokymia (FDFM); Familial dyskinesia and facial myokymia. Identifiers: Orphanet 324588, MedGen C1847627, MONDO:0800028, OMIM 606703.

Submissions (6):

3billion
Classification: Pathogenic for Dyskinesia with orofacial involvement, autosomal dominant. Last evaluated: 2024-08-28. Review status: criteria provided, single submitter. Criteria: ACMG Guidelines, 2015. Collection method: clinical testing. Allele origin: germline. Affected: yes.
Comment: The variant is not observed in the gnomAD v4.0.0 dataset. Predicted Consequence/Location: Canonical splice site: predicted to alter splicing and result in a loss or disruption of normal protein function. Multiple pathogenic loss-of-function variants are reported downstream of the variant. The variant has been reported at least twice as pathogenic with clinical assertions and evidence for the classification (ClinVar ID: VCV000218355 /PMID: 25545163). Therefore, this variant is classified as Pathogenic according to the recommendation of ACMG/AMP guideline.

GeneDx
Classification: Pathogenic. Last evaluated: 2022-04-27. Review status: criteria provided, single submitter. Criteria: GeneDx Variant Classification Process June 2021. Collection method: clinical testing. Allele origin: germline. Affected: yes.
Comment: Canonical splice site variant expected to result in aberrant splicing, although in the absence of functional evidence the actual effect of this sequence change is unknown.; Not observed at significant frequency in large population cohorts (gnomAD); This variant is associated with the following publications: (PMID: 25545163, 25521004, 27052971, 28229249, 28511835, 31538084, 28971144, 27061943, 33934385, 30975617, 30713928, 31181574)

Labcorp Genetics (formerly Invitae), Labcorp
Classification: Pathogenic. Last evaluated: 2022-03-30. Review status: criteria provided, single submitter. Criteria: Invitae Variant Classification Sherloc (09022015). Collection method: clinical testing. Allele origin: germline.
Comment: For these reasons, this variant has been classified as Pathogenic. Algorithms developed to predict the effect of sequence changes on RNA splicing suggest that this variant may disrupt the consensus splice site. ClinVar contains an entry for this variant (Variation ID: 218355). Disruption of this splice site has been observed in individual(s) with autosomal dominant ADCY5-related conditions (PMID: 25545163). In at least one individual the variant was observed to be de novo. This variant is not present in population databases (gnomAD no frequency). This sequence change affects a donor splice site in intron 8 of the ADCY5 gene. It is expected to disrupt RNA splicing. Variants that disrupt the donor or acceptor splice site typically lead to a loss of protein function (PMID: 16199547), however the current clinical and genetic evidence is not sufficient to establish whether loss-of-function variants in ADCY5 cause disease.

Institute of Human Genetics Munich, TUM University Hospital
Classification: Pathogenic for Dyskinesia with orofacial involvement, autosomal dominant. Last evaluated: 2021-09-28. Review status: criteria provided, single submitter. Criteria: Classification criteria August 2017. Collection method: clinical testing. Allele origin: de novo. Inheritance: Autosomal dominant inheritance. Affected: yes. Observed: 1 variant allele.

OMIM
Classification: Pathogenic for DYSKINESIA WITH OROFACIAL INVOLVEMENT, AUTOSOMAL DOMINANT. Last evaluated: 2015-03-01. Review status: no assertion criteria provided. Collection method: literature only. Allele origin: germline. Not counted in ClinVar's aggregate classification.

GeneReviews
No classification provided. Condition: Dyskinesia with orofacial involvement, autosomal dominant. Review status: no classification provided. Collection method: literature only. Allele origin: germline. Affected: yes. Not counted in ClinVar's aggregate classification.

Literature cited by the submitters: PubMed 25545163 (cited by 4 submitters); PubMed 16199547 (cited by Labcorp Genetics (formerly Invitae), Labcorp); PubMed 31181574 (cited by OMIM); NCBI Bookshelf NBK263441 (cited by GeneReviews).

NM_183357.3(ADCY5):c.2088+1G>A

Gene: ADCY5 (adenylate cyclase 5; minus strand). Cytogenetic location: 3q21.1.
Variant type: single nucleotide variant.
Coding change: c.2088+1G>A on transcript NM_183357.3 (MANE Select); the canonical splice donor site of the intron after coding-DNA position 2088, G replaced by A.
Molecular consequence: splice donor variant.
Genome position (GRCh38, 1-based): chr3:123,325,321, C>T on the plus strand (G>A on the coding strand, the complement: ADCY5 is on the minus strand). VCF-style: chr3-123325321-C-T. GRCh37 (hg19) VCF-style: chr3-123044168-C-T.
Other names: IVS8DS, G-A, +1; c.2088+1G>A (NM_001378259.1); c.1038+1G>A (NM_001199642.1).
Identifiers: ClinVar variation 218355 (VCV000218355.11), dbSNP rs797045002, ClinGen allele CA347808.